The following is an entry in ClinVar:

ClinVar aggregate classification (germline): Uncertain significance (1 of 4 stars; one submission).

Conditions:
Hereditary cancer-predisposing syndrome. Also called: Neoplastic Syndromes, Hereditary; Tumor predisposition; Hereditary neoplastic syndrome; Hereditary Cancer Syndrome. Identifiers: Orphanet 140162, MedGen C0027672, MeSH D009386, MONDO:0015356.

Submission:

Ambry Genetics
Classification: Uncertain significance for Hereditary cancer-predisposing syndrome. Last evaluated: 2026-07-07. Review status: criteria provided, single submitter. Criteria: Ambry Variant Classification Scheme 2023. Collection method: clinical testing. Allele origin: germline.
Comment: The p.A61G variant (also known as c.182C>G), located in coding exon 4 of the MAX gene, results from a C to G substitution at nucleotide position 182. The alanine at codon 61 is replaced by glycine, an amino acid with similar properties. This amino acid position is conserved. In addition, this alteration is predicted to be deleterious by in silico analysis. Based on the available evidence, the clinical significance of this variant remains unclear.

NM_002382.5(MAX):c.182C>G (p.Ala61Gly)

Gene: MAX (MYC associated transcriptional regulator X; minus strand). Cytogenetic location: 14q23.3.
Variant type: single nucleotide variant.
Coding change: c.182C>G on transcript NM_002382.5 (MANE Select); coding-DNA position 182, C replaced by G.
Protein change: p.Ala61Gly; replaces alanine 61 with glycine.
Molecular consequence: missense variant. On other transcripts: 5 prime UTR variant (6), non-coding transcript variant (7), intron variant (2).
Genome position (GRCh38, 1-based): chr14:65,078,026, G>C on the plus strand (C>G on the coding strand, the complement: MAX is on the minus strand). VCF-style: chr14-65078026-G-C. GRCh37 (hg19) VCF-style: chr14-65544744-G-C.
Other names: c.155C>G, p.Ala52Gly (NM_001407108.1, NM_001407109.1, NM_001407110.1 and 6 more transcripts); c.-186C>G (NM_001407111.1, NM_001407112.1); c.182C>G, p.Ala61Gly (NM_001407096.1, NM_001407097.1, NM_001407103.1 and 3 more transcripts); c.74C>G, p.Ala25Gly (NM_001407098.1); c.-93C>G (NM_001407105.1, NM_001407106.1, NM_001407107.1 and 1 more transcripts); c.144+15682C>G (NM_001271069.2); c.171+15682C>G (NM_197957.4); short protein forms A52G, A25G, A61G.
Identifiers: ClinVar variation 5023935 (VCV005023935.1).